The following is an entry in ClinVar:

NM_001369.3(DNAH5):c.4054-12C>G

Genes: DNAH5 (dynein axonemal heavy chain 5; minus strand), DNAH5-AS1 (DNAH5 antisense RNA 1; plus strand). Cytogenetic location: 5p15.2.
Variant type: single nucleotide variant.
Coding change: c.4054-12C>G on transcript NM_001369.3 (MANE Select); 12 bases into the intron before coding-DNA position 4054, C replaced by G.
Molecular consequence: intron variant.
Genome position (GRCh38, 1-based): chr5:13,866,294, G>C on the plus strand (C>G on the coding strand, the complement: DNAH5 is on the minus strand). VCF-style: chr5-13866294-G-C. GRCh37 (hg19) VCF-style: chr5-13866403-G-C.
Identifiers: ClinVar variation 1027910 (VCV001027910.1), dbSNP rs1769241274, ClinGen allele CA1528476356.

ClinVar aggregate classification (germline): Uncertain significance (1 of 4 stars; one submission).

Conditions:
Primary ciliary dyskinesia 3. Identifiers: Orphanet 244, MedGen C1837618, MONDO:0012085, OMIM 608644.

Allele frequency attached by ClinVar (database versions not stated): gnomAD exomes below 0.00001.
gnomAD v4.1: 2 of 1,609,032 alleles (0.00012%); highest among the groups gnomAD compares: Non-Finnish European, 0.00017%; no homozygotes.

Submission:

Baylor Genetics
Classification: Uncertain significance for Primary ciliary dyskinesia 3. Last evaluated: 2019-09-10. Review status: criteria provided, single submitter. Criteria: ACMG Guidelines, 2015. Collection method: clinical testing. Allele origin: unknown. Affected: yes.
Comment: This variant was determined to be of uncertain significance according to ACMG Guidelines, 2015 [PMID:25741868].